The following is an entry in ClinVar:

ClinVar aggregate classification (germline): Conflicting classifications of pathogenicity. Review status: criteria provided, conflicting classifications (1 of 4 stars). 6 submissions from 6 submitters: Uncertain significance (2); Likely benign (3). 1 of the submissions does not count toward it. Last evaluated 2025-09-13.

Conditions:
RIMS1-related disorder. Also called: RIMS1-related condition.
Cone-rod dystrophy 7 (CORD7). Identifiers: Orphanet 1872, MedGen C1863634, MONDO:0011355, OMIM 603649.

Allele frequency attached by ClinVar (database versions not stated): gnomAD 0.00010; TOPMed 0.00015; 1000 Genomes Project 30x 0.00016; 1000 Genomes Project 0.00020; ExAC 0.00030; ESP Exome Variant Server 0.00050.
gnomAD v4.1: 223 of 1,613,946 alleles (0.014%); highest among the groups gnomAD compares: Admixed American, 0.058%; no homozygotes.

Submissions (6):

Labcorp Genetics (formerly Invitae), Labcorp
Classification: Likely benign. Last evaluated: 2025-09-13. Review status: criteria provided, single submitter. Criteria: Invitae Variant Classification Sherloc (09022015). Collection method: clinical testing. Allele origin: germline.

Blueprint Genetics
Classification: Likely benign. Last evaluated: 2024-09-23. Review status: criteria provided, single submitter. Criteria: ACMG Guidelines, 2015. Collection method: clinical testing. Allele origin: germline.

Ambry Genetics
Classification: Uncertain significance. Last evaluated: 2022-01-04. Review status: criteria provided, single submitter. Criteria: Ambry Variant Classification Scheme 2023. Collection method: clinical testing. Allele origin: germline.

Illumina Laboratory Services, Illumina
Classification: Likely benign for Cone-rod dystrophy 7. Last evaluated: 2018-01-12. Review status: criteria provided, single submitter. Criteria: ICSL Variant Classification Criteria 13 December 2019. Collection method: clinical testing. Allele origin: germline.
Comment: This variant was observed in the ICSL laboratory as part of a predisposition screen in an ostensibly healthy population. It had not been previously curated by ICSL or reported in the Human Gene Mutation Database (HGMD: prior to June 1st, 2018), and was therefore a candidate for classification through an automated scoring system. Utilizing variant allele frequency, disease prevalence and penetrance estimates, and inheritance mode, an automated score was calculated to assess if this variant is too frequent to cause the disease. Based on the score and internal cut-off values, a variant classified as likely benign is not then subjected to further curation. The score for this variant resulted in a classification of likely benign for this disease.

Eurofins Ntd Llc (ga)
Classification: Uncertain significance. Last evaluated: 2016-11-01. Review status: criteria provided, single submitter. Criteria: EGL Classification Definitions 2015. Collection method: clinical testing. Allele origin: germline. Observed: 1 variant allele, 1 heterozygote.

PreventionGenetics, part of Exact Sciences
Classification: Likely benign for RIMS1-related condition. Last evaluated: 2024-04-22. Review status: no assertion criteria provided. Collection method: clinical testing. Allele origin: germline. Not counted in ClinVar's aggregate classification.
Comment: This variant is classified as likely benign based on ACMG/AMP sequence variant interpretation guidelines (Richards et al. 2015 PMID: 25741868, with internal and published modifications).

NM_014989.7(RIMS1):c.169G>C (p.Val57Leu)

Gene: RIMS1 (regulating synaptic membrane exocytosis 1; plus strand). Cytogenetic location: 6q13.
Variant type: single nucleotide variant.
Coding change: c.169G>C on transcript NM_014989.7 (MANE Select); coding-DNA position 169, G replaced by C.
Protein change: p.Val57Leu; replaces valine 57 with leucine.
Molecular consequence: missense variant. On other transcripts: intron variant (1).
Genome position (GRCh38, 1-based): chr6:71,968,987, G>C. VCF-style: chr6-71968987-G-C. GRCh37 (hg19) VCF-style: chr6-72678690-G-C.
Other names: c.169G>C, p.Val57Leu (NM_001350411.1, NM_001350413.1); c.164+81800G>C (NM_001350412.1); c.169G>C (NM_014989.4); short protein forms V57L.
Identifiers: ClinVar variation 497703 (VCV000497703.23), dbSNP rs200005095, ClinGen allele CA3885418.
Genomic context (GRCh38, chr6:71,968,987, plus strand): 5'-GTGTTCTACCCTTTTTATAATTAATAGTGCGTTGTGCTGTCTATCATGCGCCCCAGGTGT[G>C]TTGTCAGGGACATGGCGAAGCCTGCTGCCTGCAAAACACCAAGAAATGCTGAAAACCAGC-3'
Protein context (NP_055804.2, residues 47-67): EEKEEAMLKC[Val57Leu]VRDMAKPAAC